The following is an entry in ClinVar:

ClinVar aggregate classification (germline): Uncertain significance (1 of 4 stars; one submission).

Conditions:
Hereditary cancer-predisposing syndrome. Also called: Neoplastic Syndromes, Hereditary; Tumor predisposition; Hereditary neoplastic syndrome; Hereditary Cancer Syndrome. Identifiers: Orphanet 140162, MedGen C0027672, MeSH D009386, MONDO:0015356.
Cardiovascular phenotype. Identifiers: MedGen CN230736.

Submission:

Ambry Genetics
Classification: Uncertain significance for Cardiovascular phenotype; Hereditary cancer-predisposing syndrome. Last evaluated: 2023-09-21. Review status: criteria provided, single submitter. Criteria: Ambry Variant Classification Scheme 2023. Collection method: clinical testing. Allele origin: germline.
Comment: The c.2463_2464insC variant, located in coding exon 21 of the LZTR1 gene, results from an insertion of one nucleotide at position 2463, causing a translational frameshift with a predicted alternate stop codon (p.D822Rfs*29). This alteration occurs at the 3' terminus of theLZTR1 gene, is not expected to trigger nonsense-mediated mRNAdecay and results in the elongation of the protein by 9 amino acids. This frameshift impacts the last 19amino acids of the native protein. The exact functional effect of the altered amino acids is unknown. Since supporting evidence is limited at this time, the clinical significance of this alteration remains unclear.

NM_006767.4(LZTR1):c.2463_2464insC (p.Asp822fs)

Gene: LZTR1 (leucine zipper like post translational regulator 1; plus strand). Cytogenetic location: 22q11.21.
Variant type: Insertion.
Coding change: c.2463_2464insC on transcript NM_006767.4 (MANE Select); coding-DNA positions 2463 to 2464, C inserted.
Protein change: p.Asp822fs; shifts the reading frame from aspartic acid 822.
Molecular consequence: frameshift variant.
Genome position: GRCh38 VCF-style: chr22-20997288-A-AC. GRCh37 (hg19) VCF-style: chr22-21351577-A-AC.
Other names: short protein forms D822fs.
Identifiers: ClinVar variation 3238252 (VCV003238252.1), dbSNP rs2518626773.